The following is an entry in ClinVar:

NM_004525.3(LRP2):c.668G>C (p.Gly223Ala)

Gene: LRP2 (LDL receptor related protein 2; minus strand). Cytogenetic location: 2q31.1.
Variant type: single nucleotide variant.
Coding change: c.668G>C on transcript NM_004525.3 (MANE Select); coding-DNA position 668, G replaced by C.
Protein change: p.Gly223Ala; replaces glycine 223 with alanine.
Molecular consequence: missense variant.
Genome position (GRCh38, 1-based): chr2:169,292,354, C>G on the plus strand (G>C on the coding strand, the complement: LRP2 is on the minus strand). VCF-style: chr2-169292354-C-G. GRCh37 (hg19) VCF-style: chr2-170148864-C-G.
Other names: short protein forms G223A.
Identifiers: ClinVar variation 1938360 (VCV001938360.2), dbSNP rs111708117, ClinGen allele CA59940202.

ClinVar aggregate classification (germline): Uncertain significance (1 of 4 stars; one submission).

gnomAD v4.1: 9 of 1,613,218 alleles (0.00056%); highest among the groups gnomAD compares: African/African-American, 0.004%; no homozygotes.

Submission:

Labcorp Genetics (formerly Invitae), Labcorp
Classification: Uncertain significance. Last evaluated: 2022-06-01. Review status: criteria provided, single submitter. Criteria: Invitae Variant Classification Sherloc (09022015). Collection method: clinical testing. Allele origin: germline.
Comment: This sequence change replaces glycine, which is neutral and non-polar, with alanine, which is neutral and non-polar, at codon 223 of the LRP2 protein (p.Gly223Ala). This variant is not present in population databases (gnomAD no frequency). This variant has not been reported in the literature in individuals affected with LRP2-related conditions. Advanced modeling of protein sequence and biophysical properties (such as structural, functional, and spatial information, amino acid conservation, physicochemical variation, residue mobility, and thermodynamic stability) performed at Invitae indicates that this missense variant is not expected to disrupt LRP2 protein function. In summary, the available evidence is currently insufficient to determine the role of this variant in disease. Therefore, it has been classified as a Variant of Uncertain Significance.